The following is an entry in ClinVar:

NM_001379081.2(FREM1):c.2058A>G (p.Pro686=)

Gene: FREM1 (FRAS1 related extracellular matrix 1; minus strand). Cytogenetic location: 9p22.3.
Variant type: single nucleotide variant.
Coding change: c.2058A>G on transcript NM_001379081.2 (MANE Select); coding-DNA position 2058, A replaced by G.
Protein change: p.Pro686=; no amino-acid change (proline 686 retained).
Molecular consequence: synonymous variant. On other transcripts: non-coding transcript variant (2).
Genome position (GRCh38, 1-based): chr9:14,824,816, T>C on the plus strand (A>G on the coding strand, the complement: FREM1 is on the minus strand). VCF-style: chr9-14824816-T-C. GRCh37 (hg19) VCF-style: chr9-14824814-T-C.
Other names: c.2058A>G, p.Pro686= (NM_144966.7).
Identifiers: ClinVar variation 2659084 (VCV002659084.24), dbSNP rs528542010, ClinGen allele CA189349611.

ClinVar aggregate classification (germline): Likely benign (1 of 4 stars; one submission).

Allele frequency attached by ClinVar (database versions not stated): TOPMed 0.00002; gnomAD exomes 0.00003; gnomAD 0.00004.
gnomAD v4.1: 48 of 1,611,592 alleles (0.003%); highest among the groups gnomAD compares: Non-Finnish European, 0.0041%; no homozygotes.

Submission:

CeGaT Center for Human Genetics Tuebingen
Classification: Likely benign. Last evaluated: 2022-07-01. Review status: criteria provided, single submitter. Criteria: CeGaT Center For Human Genetics Tuebingen Variant Classification Criteria Version 2. Collection method: clinical testing. Allele origin: germline. Affected: yes. Observed: 1 variant allele.
Comment: FREM1: BP4, BP7